The following is an entry in ClinVar:

ClinVar aggregate classification (germline): Uncertain significance. Review status: criteria provided, multiple submitters, no conflicts (2 of 4 stars). 3 submissions from 3 submitters: Uncertain significance (3). Last evaluated 2024-05-06.

Conditions:
Fanconi anemia (FA). Also called: Fanconi's anemia. Identifiers: Orphanet 84, MedGen C0015625, MeSH D005199, MONDO:0019391.

Allele frequency attached by ClinVar (database versions not stated): ExAC 0.00002; gnomAD exomes 0.00002 and 0.00004; TOPMed 0.00003; gnomAD 0.00005; 1000 Genomes Project 30x 0.00016; 1000 Genomes Project 0.00020.
gnomAD v4.1: 44 of 1,614,144 alleles (0.0027%); highest among the groups gnomAD compares: Admixed American, 0.0067%; no homozygotes.

Submissions (3):

Labcorp Genetics (formerly Invitae), Labcorp
Classification: Uncertain significance for Fanconi anemia. Last evaluated: 2024-05-06. Review status: criteria provided, single submitter. Criteria: Invitae Variant Classification Sherloc (09022015). Collection method: clinical testing. Allele origin: germline.
Comment: This sequence change replaces asparagine, which is neutral and polar, with serine, which is neutral and polar, at codon 106 of the FANCM protein (p.Asn106Ser). This variant is present in population databases (rs550700790, gnomAD 0.01%). This missense change has been observed in individual(s) with head and neck carcinoma (PMID: 28678401). ClinVar contains an entry for this variant (Variation ID: 970988). An algorithm developed to predict the effect of missense changes on protein structure and function (PolyPhen-2) suggests that this variant is likely to be disruptive. In summary, the available evidence is currently insufficient to determine the role of this variant in disease. Therefore, it has been classified as a Variant of Uncertain Significance.

GeneDx
Classification: Uncertain significance. Last evaluated: 2024-03-07. Review status: criteria provided, single submitter. Criteria: GeneDx Variant Classification Process June 2021. Collection method: clinical testing. Allele origin: germline. Affected: yes.
Comment: Not observed at significant frequency in large population cohorts (gnomAD); In silico analysis supports that this missense variant has a deleterious effect on protein structure/function; Observed in an individual with head and neck squamous cell carcinoma (PMID: 28678401); This variant is associated with the following publications: (PMID: 28678401, 33471991)

Quest Diagnostics Nichols Institute San Juan Capistrano
Classification: Uncertain significance. Last evaluated: 2023-03-17. Review status: criteria provided, single submitter. Criteria: Quest Diagnostics criteria. Collection method: clinical testing. Allele origin: unknown.
Comment: The frequency of this variant in the general population, 0.00011 (4/35438 chromosomes), is uninformative in assessment of its pathogenicity. In the published literature, the variant has been reported in at least one individual with breast cancer (and PMID: 33471991 (2021)) and another individual with head and neck cancer (PMID: 28678401 (2017)). Analysis of this variant using bioinformatics tools for the prediction of the effect of amino acid changes on protein structure and function yielded predictions that this variant is damaging. Additional analysis using software algorithms for the prediction of the effect of nucleotide changes on FANCM mRNA splicing yielded predictions that this variant may result in the gain of a cryptic splice site without affecting the natural splice sites . Based on the available information, we are unable to determine the clinical significance of this variant.

Literature cited by the submitters: PubMed 28678401 (cited by Labcorp Genetics (formerly Invitae), Labcorp and Quest Diagnostics Nichols Institute San Juan Capistrano); PubMed 33471991 (cited by Quest Diagnostics Nichols Institute San Juan Capistrano).

NM_020937.4(FANCM):c.317A>G (p.Asn106Ser)

Gene: FANCM (FA complementation group M; plus strand). Cytogenetic location: 14q21.2.
Variant type: single nucleotide variant.
Coding change: c.317A>G on transcript NM_020937.4 (MANE Select); coding-DNA position 317, A replaced by G.
Protein change: p.Asn106Ser; replaces asparagine 106 with serine.
Molecular consequence: missense variant.
Genome position (GRCh38, 1-based): chr14:45,136,348, A>G. VCF-style: chr14-45136348-A-G. GRCh37 (hg19) VCF-style: chr14-45605551-A-G.
Other names: c.317A>G, p.Asn106Ser (NM_001308133.2, NM_001308134.2); c.317A>G (NM_020937.3); short protein forms N106S.
Identifiers: ClinVar variation 970988 (VCV000970988.13), dbSNP rs550700790, ClinGen allele CA7168733.
Genomic context (GRCh38, chr14:45,136,348, plus strand): 5'-CTACCAATTGCCCAGTGCGGGACTACCAGCTGCACATTTCCCGGGCTGCTCTGTTTTGCA[A>G]TACGCTGGTGTGTCTGCCTACCGGACTGGGAAAGACCTTTATTGCCGCCGTGGTCATGTA-3'
Protein context (NP_065988.1, residues 96-116): LHISRAALFC[Asn106Ser]TLVCLPTGLG